The following is an entry in ClinVar:

NM_001395413.1(POR):c.1755C>T (p.Asp585=)

Gene: POR (cytochrome p450 oxidoreductase; plus strand). Cytogenetic location: 7q11.23.
Variant type: single nucleotide variant.
Coding change: c.1755C>T on transcript NM_001395413.1 (MANE Select); coding-DNA position 1755, C replaced by T.
Protein change: p.Asp585=; no amino-acid change (aspartic acid 585 retained).
Molecular consequence: synonymous variant.
Genome position (GRCh38, 1-based): chr7:75,986,017, C>T. VCF-style: chr7-75986017-C-T. GRCh37 (hg19) VCF-style: chr7-75615335-C-T.
Other names: c.1755C>T, p.Asp585= (NM_001367562.3, NM_001382657.2, NM_001382658.3 and 1 more transcripts); c.1809C>T, p.Asp603= (NM_001382655.3); c.1605C>T, p.Asp535= (NM_001382662.3).
Identifiers: ClinVar variation 360717 (VCV000360717.16), dbSNP rs72557949, ClinGen allele CA4304271.

ClinVar aggregate classification (germline): Conflicting classifications of pathogenicity. Review status: criteria provided, conflicting classifications (1 of 4 stars). 6 submissions from 6 submitters: Uncertain significance (1); Likely benign (5). Last evaluated 2026-09-02.

Conditions:
POR-related disorder. Also called: POR-related condition.
Inborn genetic diseases. Identifiers: MedGen C0950123, MeSH D030342.
Congenital adrenal hyperplasia due to cytochrome P450 oxidoreductase deficiency. Also called: DISORDERED STEROIDOGENESIS DUE TO POR DEFICIENCY. Identifiers: Orphanet 95699, MedGen C1860042, MONDO:0013310, OMIM 613571.

Allele frequency attached by ClinVar (database versions not stated): gnomAD 0.00011 and 0.00016; gnomAD exomes 0.00012 and 0.00014; TOPMed 0.00015; ESP Exome Variant Server 0.00016; ExAC 0.00023.
gnomAD v4.1: 202 of 1,564,858 alleles (0.013%); highest among the groups gnomAD compares: East Asian, 0.062%; 1 homozygote.

Submissions (6):

PreventionGenetics, part of Exact Sciences
Classification: Likely benign for POR-related condition. Last evaluated: 2026-09-02. Review status: criteria provided, single submitter. Criteria: ACMG Guidelines, 2015. Collection method: clinical testing. Allele origin: germline.
Comment: This variant is classified as likely benign based on ACMG/AMP sequence variant interpretation guidelines (Richards et al. 2015 PMID: 25741868, with internal and published modifications).

Labcorp Genetics (formerly Invitae), Labcorp
Classification: Likely benign for Congenital adrenal hyperplasia due to cytochrome P450 oxidoreductase deficiency. Last evaluated: 2026-01-09. Review status: criteria provided, single submitter. Criteria: Invitae Variant Classification Sherloc (09022015). Collection method: clinical testing. Allele origin: germline.

Blueprint Genetics
Classification: Likely benign. Last evaluated: 2024-11-21. Review status: criteria provided, single submitter. Criteria: ACMG Guidelines, 2015. Collection method: clinical testing. Allele origin: germline.

Ambry Genetics
Classification: Likely benign for Inborn genetic diseases. Last evaluated: 2024-11-14. Review status: criteria provided, single submitter. Criteria: Ambry Variant Classification Scheme 2023. Collection method: clinical testing. Allele origin: germline.

ARUP Laboratories, Molecular Genetics and Genomics, ARUP Laboratories
Classification: Likely benign. Last evaluated: 2024-08-01. Review status: criteria provided, single submitter. Criteria: ARUP Molecular Germline Variant Investigation Process 2024. Collection method: clinical testing. Allele origin: germline.

Illumina Laboratory Services, Illumina
Classification: Uncertain significance for Congenital adrenal hyperplasia due to cytochrome P450 oxidoreductase deficiency. Last evaluated: 2018-01-12. Review status: criteria provided, single submitter. Criteria: ICSL Variant Classification Criteria 13 December 2019. Collection method: clinical testing. Allele origin: germline.